The following is an entry in ClinVar:

NM_001429.4(EP300):c.892G>A (p.Gly298Arg)

Gene: EP300 (E1A binding protein p300; plus strand). Cytogenetic location: 22q13.2.
Variant type: single nucleotide variant.
Coding change: c.892G>A on transcript NM_001429.4 (MANE Select); coding-DNA position 892, G replaced by A.
Protein change: p.Gly298Arg; replaces glycine 298 with arginine.
Molecular consequence: missense variant.
Genome position (GRCh38, 1-based): chr22:41,126,026, G>A. VCF-style: chr22-41126026-G-A. GRCh37 (hg19) VCF-style: chr22-41522030-G-A.
Other names: c.892G>A, p.Gly298Arg (NM_001362843.2); short protein forms G298R.
Identifiers: ClinVar variation 1698365 (VCV001698365.2), dbSNP rs755143118, ClinGen allele CA10252379.

ClinVar aggregate classification (germline): Uncertain significance (1 of 4 stars; one submission).

Allele frequency attached by ClinVar (database versions not stated): TOPMed below 0.00001; ExAC 0.00001; gnomAD exomes 0.00001.
gnomAD v4.1: 3 of 1,614,132 alleles (0.00019%); highest among the groups gnomAD compares: Admixed American, 0.005%; no homozygotes.

Submission:

GeneDx
Classification: Uncertain significance. Last evaluated: 2022-01-19. Review status: criteria provided, single submitter. Criteria: GeneDx Variant Classification Process June 2021. Collection method: clinical testing. Allele origin: germline. Affected: yes.
Comment: In silico analysis supports that this missense variant has a deleterious effect on protein structure/function; Has not been previously published as pathogenic or benign to our knowledge